The following is an entry in ClinVar:

NM_213599.3(ANO5):c.1158del (p.Phe386fs)

Gene: ANO5 (anoctamin 5; plus strand). Cytogenetic location: 11p14.3.
Variant type: Deletion.
Coding change: c.1158del on transcript NM_213599.3 (MANE Select); coding-DNA position 1158, one base deleted (T; older notation c.1158delT).
Protein change: p.Phe386fs; shifts the reading frame from phenylalanine 386.
Molecular consequence: frameshift variant.
Genome position (GRCh38, 1-based): chr11:22,250,989, T deleted; the last of 3 consecutive T bases (chr11:22,250,987-22,250,989); deleting any one gives the same sequence. VCF-style (leftmost placement, unchanged base first): chr11-22250986-CT-C. GRCh37 (hg19) VCF-style: chr11-22272532-CT-C.
Other names: c.1158delT (NM_213599.2); c.1155del, p.Phe385fs (NM_001142649.2); short protein forms F385fs, F386fs.
Identifiers: ClinVar variation 619026 (VCV000619026.1), dbSNP rs1564936489, ClinGen allele CA913190244.

ClinVar aggregate classification (germline): Pathogenic (0 of 4 stars; one submission).

Conditions:
Miyoshi muscular dystrophy 3 (MMD3). Also called: Miyoshi Muscular Dystrophy 3 (MMD3); Miyoshi myopathy 3. Identifiers: Orphanet 399096, MedGen C2750076, MONDO:0013222, OMIM 613319.
Autosomal recessive limb-girdle muscular dystrophy type 2L (LGMDR12). Also called: Limb-girdle muscular dystrophy, type 2L; MUSCULAR DYSTROPHY, LIMB-GIRDLE, AUTOSOMAL RECESSIVE 12; Limb-Girdle Muscular Dystrophy R12 Anoctamin-5-Related (LGMD-R12). Identifiers: Orphanet 206549, MedGen C1969785, MONDO:0012652, OMIM 611307.

Submission:

Department of Rehabilitation Medicine, Incheon St. Mary’s Hospital, College of Medicine, The Catholic University of Korea
Classification: Pathogenic for Miyoshi muscular dystrophy 3; Autosomal recessive limb-girdle muscular dystrophy type 2L. Last evaluated: 2019-02-11. Review status: no assertion criteria provided. Collection method: research. Allele origin: maternal. Inheritance: Autosomal recessive inheritance. Affected: yes. Observed: 1 compound heterozygote.